The following is an entry in ClinVar:

ClinVar aggregate classification (germline): Uncertain significance (1 of 4 stars; one submission).

Conditions:
Kleefstra syndrome 1 (KLEFS1). Identifiers: Orphanet 261494, MedGen C0795833, MONDO:0027407, OMIM 610253.

gnomAD v4.1: 5 of 1,578,124 alleles (0.00032%); highest among the groups gnomAD compares: African/African-American, 0.0027%; no homozygotes.

Submission:

Labcorp Genetics (formerly Invitae), Labcorp
Classification: Uncertain significance for Kleefstra syndrome 1. Last evaluated: 2023-05-23. Review status: criteria provided, single submitter. Criteria: Invitae Variant Classification Sherloc (09022015). Collection method: clinical testing. Allele origin: germline.
Comment: In summary, the available evidence is currently insufficient to determine the role of this variant in disease. Therefore, it has been classified as a Variant of Uncertain Significance. An algorithm developed to predict the effect of missense changes on protein structure and function (PolyPhen-2) suggests that this variant is likely to be disruptive. ClinVar contains an entry for this variant (Variation ID: 2191856). This variant has not been reported in the literature in individuals affected with EHMT1-related conditions. This variant is present in population databases (no rsID available, gnomAD 0.004%). This sequence change replaces aspartic acid, which is acidic and polar, with glutamic acid, which is acidic and polar, at codon 35 of the EHMT1 protein (p.Asp35Glu).

NM_024757.5(EHMT1):c.105T>A (p.Asp35Glu)

Gene: EHMT1 (euchromatic histone lysine methyltransferase 1; plus strand). Cytogenetic location: 9q34.3.
Variant type: single nucleotide variant.
Coding change: c.105T>A on transcript NM_024757.5 (MANE Select); coding-DNA position 105, T replaced by A.
Protein change: p.Asp35Glu; replaces aspartic acid 35 with glutamic acid.
Molecular consequence: missense variant.
Genome position (GRCh38, 1-based): chr9:137,716,645, T>A. VCF-style: chr9-137716645-T-A. GRCh37 (hg19) VCF-style: chr9-140611097-T-A.
Other names: c.105T>A, p.Asp35Glu (NM_001145527.2, NM_001354263.2, NM_001354611.2); c.12T>A, p.Asp4Glu (NM_001354259.2, NM_001354612.2); short protein forms D35E, D4E.
Identifiers: ClinVar variation 2191856 (VCV002191856.4), dbSNP rs1308596650, ClinGen allele CA375762156.
Genomic context (GRCh38, chr9:137,716,645, plus strand): 5'-GCGTGGCCTGCAGTCAGTGACACTCGTTTCTTTGTTGGCAGAGACACCTATGGCTGCCGA[T>A]GAAGGCTCAGCAGAGAAACAGGCAGGAGAGGCCCACATGGCTGCGGACGGTGAGACCAAT-3'
Protein context (NP_079033.4, residues 25-45): LLGEETPMAA[Asp35Glu]EGSAEKQAGE